The following is an entry in ClinVar:

ClinVar aggregate classification (germline): Uncertain significance (1 of 4 stars; one submission).

Conditions:
Catecholaminergic polymorphic ventricular tachycardia 1. Also called: VENTRICULAR TACHYCARDIA, CATECHOLAMINERGIC POLYMORPHIC, 1, WITH OR WITHOUT ATRIAL DYSFUNCTION AND/OR DILATED CARDIOMYOPATHY; VENTRICULAR TACHYCARDIA, STRESS-INDUCED POLYMORPHIC 1; RYR2-Related Catecholaminergic Polymorphic Ventricular Tachycardia. Identifiers: Orphanet 3286, MedGen C1631597, MONDO:0011484, OMIM 604772.

Submission:

Labcorp Genetics (formerly Invitae), Labcorp
Classification: Uncertain significance for Catecholaminergic polymorphic ventricular tachycardia 1. Last evaluated: 2022-04-10. Review status: criteria provided, single submitter. Criteria: Invitae Variant Classification Sherloc (09022015). Collection method: clinical testing. Allele origin: germline.
Comment: This sequence change replaces tyrosine, which is neutral and polar, with cysteine, which is neutral and slightly polar, at codon 3891 of the RYR2 protein (p.Tyr3891Cys). This variant is not present in population databases (gnomAD no frequency). This variant has not been reported in the literature in individuals affected with RYR2-related conditions. Advanced modeling of protein sequence and biophysical properties (such as structural, functional, and spatial information, amino acid conservation, physicochemical variation, residue mobility, and thermodynamic stability) performed at Invitae indicates that this missense variant is expected to disrupt RYR2 protein function. In summary, the available evidence is currently insufficient to determine the role of this variant in disease. Therefore, it has been classified as a Variant of Uncertain Significance.

NM_001035.3(RYR2):c.11672A>G (p.Tyr3891Cys)

Gene: RYR2 (ryanodine receptor 2; plus strand). Cytogenetic location: 1q43.
Variant type: single nucleotide variant.
Coding change: c.11672A>G on transcript NM_001035.3 (MANE Select); coding-DNA position 11672, A replaced by G.
Protein change: p.Tyr3891Cys; replaces tyrosine 3891 with cysteine.
Molecular consequence: missense variant.
Genome position (GRCh38, 1-based): chr1:237,773,545, A>G. VCF-style: chr1-237773545-A-G. GRCh37 (hg19) VCF-style: chr1-237936845-A-G.
Other names: short protein forms Y3891C.
Identifiers: ClinVar variation 2124020 (VCV002124020.4), dbSNP rs1430332496, ClinGen allele CA345407689.